The following continues an entry in ClinVar:

NM_000059.4(BRCA2):c.3545_3546del (p.Gln1181_Phe1182insTer)

Gene: BRCA2. ClinVar aggregate classification (germline): Pathogenic. Pathogenic (1).

Submissions 22 to 37 of 37:

ARUP Laboratories, Molecular Genetics and Genomics, ARUP Laboratories
Classification: Pathogenic. Last evaluated: 2021-02-25. Review status: criteria provided, single submitter. Criteria: ARUP Molecular Germline Variant Investigation Process 2021. Collection method: clinical testing. Allele origin: germline. Not counted in ClinVar's aggregate classification.
Comment: The BRCA2 c.3545_3546delTT; p.Phe1182Ter variant (rs80359388), also known as 3772delTT and 3773delTT, has been reported in multiple individuals and families with breast, ovarian, and/or pancreatic cancer (Belanger 2015, Borg 2010, Cremin 2020, Labidi-Galy 2018, Lubinski 2004, Shindo 2017, Tea 2014). This variant is found on only five chromosomes (5/250970 alleles) in the Genome Aggregation Database. This variant deletes two nucleotides, induces an early termination codon and is predicted to result in a truncated protein or mRNA subject to nonsense-mediated decay. Based on available information, this variant is considered to be pathogenic. References: Belanger MH et al. A targeted analysis identifies a high frequency of BRCA1 and BRCA2 mutation carriers in women with ovarian cancer from a founder population. J Ovarian Res. 2015 Mar 27;8:1. Borg A et al. Characterization of BRCA1 and BRCA2 deleterious mutations and variants of unknown clinical significance in unilateral and bilateral breast cancer: the WECARE study. Hum Mutat. 2010 Mar;31(3):E1200-40. Cremin C et al. Burden of hereditary cancer susceptibility in unselected patients with pancreatic ductal adenocarcinoma referred for germline screening. Cancer Med. 2020 Jun;9(11):4004-4013. Labidi-Galy SI et al. Location of Mutation in BRCA2 Gene and Survival in Patients with Ovarian Cancer. Clin Cancer Res. 2018 Jan 15;24(2):326-333. Lubinski J et al. Cancer variation associated with the position of the mutation in the BRCA2 gene. Fam Cancer. 2004;3(1):1-10. Shindo K et al. Deleterious Germline Mutations in Patients With Apparently Sporadic Pancreatic Adenocarcinoma. J Clin Oncol. 2017 Oct 20;35(30):3382-3390. Tea MK et al. Central European BRCA2 mutation carriers: birth cohort status correlates with onset of breast cancer. Maturitas. 2014 Jan;77(1):68-72.

GeneDx
Classification: Pathogenic. Last evaluated: 2020-11-04. Review status: criteria provided, single submitter. Criteria: GeneDx Variant Classification Process June 2021. Collection method: clinical testing. Allele origin: germline. Affected: yes. Not counted in ClinVar's aggregate classification.
Comment: Nonsense variant predicted to result in protein truncation or nonsense mediated decay in a gene for which loss-of-function is a known mechanism of disease; Observed as heterozygous in individuals with a personal and/or family history of BRCA2-related cancers, and as compound heterozygous in an individual with Fanconi anemia (Lubinski 2004, Cavallone 2010, Tea 2014, Belanger 2015, Malric 2015, Shindo 2017); Not observed at a significant frequency in large population cohorts (Lek 2016); Truncating variants in this gene are considered pathogenic by a well-established clinical consortium and/or database; Also known as 3772delTT or 3773delTT; This variant is associated with the following publications: (PMID: 20104584, 21952622, 15131399, 25884701, 24156927, 21324516, 26986251, 25381700, 15382066, 20694749, 16905680, 28166811, 28767289, 21568838, 18042939, 17416853, 16825431, 16141007, 15796958, 15197194, 12677558, 9497246, 22430266, 26014432, 26295337, 29339979, 29084914, 30128899, 30609409, 30720243, 31851867, 31409081, 32255556)

Institute of Medical Genetics and Applied Genomics, University Hospital Tübingen
Classification: Pathogenic. Last evaluated: 2020-10-23. Review status: criteria provided, single submitter. Criteria: ACMG Guidelines, 2015. Collection method: clinical testing. Allele origin: germline. Inheritance: Unknown mechanism. Affected: yes. Not counted in ClinVar's aggregate classification.

Consortium of Investigators of Modifiers of BRCA1/2 (CIMBA), c/o University of Cambridge
Classification: Pathogenic for Breast-ovarian cancer, familial, susceptibility to, 2. Last evaluated: 2015-10-02. Review status: criteria provided, single submitter. Criteria: CIMBA Mutation Classification guidelines May 2016. Collection method: clinical testing. Allele origin: germline. Not counted in ClinVar's aggregate classification.

Department of Medical Genetics, Oslo University Hospital
Classification: Pathogenic for Breast-ovarian cancer, familial, susceptibility to, 2. Last evaluated: 2015-07-01. Review status: criteria provided, single submitter. Criteria: ACMG Guidelines, 2015. Collection method: clinical testing. Allele origin: germline. Affected: yes. Observed: 1 variant allele. Not counted in ClinVar's aggregate classification.

BRCAlab, Lund University
Classification: Pathogenic for Breast-ovarian cancer, familial, susceptibility to, 2. Last evaluated: 2022-08-26. Review status: no assertion criteria provided. Collection method: clinical testing. Allele origin: germline. Affected: yes. Not counted in ClinVar's aggregate classification.

CZECANCA consortium
Classification: Pathogenic for Carcinoma of pancreas. Last evaluated: 2021-03-04. Review status: no assertion criteria provided. Collection method: case-control. Allele origin: germline. Affected: yes. Observed: 1 variant allele. Not counted in ClinVar's aggregate classification.

Foulkes Cancer Genetics LDI, Lady Davis Institute for Medical Research
Classification: Pathogenic for Breast and/or ovarian cancer. Last evaluated: 2016-04-07. Review status: no assertion criteria provided. Collection method: clinical testing. Allele origin: germline. Study: The Canadian Open Genetics Repository (COGR). Not counted in ClinVar's aggregate classification.

Institute of Human Genetics, Medical University Innsbruck
Classification: Pathogenic for Breast-ovarian cancer, familial 2. Last evaluated: 2015-02-11. Review status: no assertion criteria provided. Criteria: clinical testing. Collection method: clinical testing. Allele origin: germline. Affected: yes. Study: BRCA-Tyrol. Not counted in ClinVar's aggregate classification.
Comment: BRCA-mutation spectrum Western Austria

Counsyl
Classification: Likely pathogenic for Breast-ovarian cancer, familial 2. Last evaluated: 2014-01-31. Review status: no assertion criteria provided. Collection method: literature only. Allele origin: unknown. Inheritance: Autosomal dominant inheritance. Not counted in ClinVar's aggregate classification.

Sharing Clinical Reports Project (SCRP)
Classification: Pathogenic for Breast-ovarian cancer, familial 2. Last evaluated: 2012-05-01. Review status: no assertion criteria provided. Collection method: clinical testing. Allele origin: germline. Not counted in ClinVar's aggregate classification.

Breast Cancer Information Core (BIC) (BRCA2)
Classification: Pathogenic for Breast-ovarian cancer, familial 2. Last evaluated: 2002-05-29. Review status: no assertion criteria provided. Collection method: clinical testing. Allele origin: germline. Affected: yes. Observed: 15 variant alleles. Not counted in ClinVar's aggregate classification.

Clinical Genetics Laboratory, Department of Pathology, Netherlands Cancer Institute
Classification: Pathogenic. Review status: no assertion criteria provided. Collection method: clinical testing. Allele origin: germline. Affected: yes. Study: VKGL Data-share Consensus. Not counted in ClinVar's aggregate classification.

Department of Pathology and Laboratory Medicine, Sinai Health System
Classification: Pathogenic for Malignant tumor of breast. Review status: no assertion criteria provided. Collection method: clinical testing. Allele origin: unknown. Affected: yes. Study: The Canadian Open Genetics Repository (COGR). Not counted in ClinVar's aggregate classification.
Comment: The p.Phe1182X variant has been identified in 4 out of 5086 proband chromosomes (frequency 0.001) in individuals with unilateral, contralateral and familial breast and ovarian cancer phenotype; however no control chromosomes were included in these studies (Lubinski 2004, Borg 2010). It is listed in dbSNP database coming from a â€šÃ„Ãºclinical sourceâ€šÃ„Ã¹ (ID#: rs80359388) however no frequency information was provided. The variant was identified in ClinVar from 6 sources in at least 23 individuals from different ethnic backgroungs (GeneDx, BIC, Ambry, and SCRP derived from Myriad reports all classify this variant as pathogenic; Counsyl classified this variant as Likely pathogenic). This variant is predicted to cause a frameshift, which alters the protein's amino acid sequence and leads to a premature stop codon at position 1182. This alteration is predicted to cause a truncated or absent BRCA2 protein product and loss of function. Loss of function of the BRCA2 gene is an established disease mechanism in familial breast and ovarian cancer patients. In summary, based on the above information, this variant is classified as pathogenic.

Diagnostic Laboratory, Department of Genetics, University Medical Center Groningen
Classification: Pathogenic. Review status: no assertion criteria provided. Collection method: clinical testing. Allele origin: germline. Affected: yes. Study: VKGL Data-share Consensus. Not counted in ClinVar's aggregate classification.

Genome Diagnostics Laboratory, University Medical Center Utrecht
Classification: Pathogenic. Review status: no assertion criteria provided. Collection method: clinical testing. Allele origin: germline. Affected: yes. Study: VKGL Data-share Consensus. Not counted in ClinVar's aggregate classification.

Literature cited by the submitters: PubMed 20104584 (cited by 11 submitters); PubMed 15131399 (cited by 10 submitters); PubMed 24156927 (cited by 7 submitters); PubMed 25884701 (cited by 8 submitters); PubMed 16234499 (cited by Institute for Genomic Medicine (IGM) Clinical Laboratory, Nationwide Children's Hospital); PubMed 21324516 (cited by 8 submitters); PubMed 28767289 (cited by 4 submitters); PubMed 38974244 (cited by Institute for Genomic Medicine (IGM) Clinical Laboratory, Nationwide Children's Hospital); PubMed 32300229 (cited by Institute for Genomic Medicine (IGM) Clinical Laboratory, Nationwide Children's Hospital); PubMed 20694749 (cited by 6 submitters); PubMed 29084914 (cited by 7 submitters); PubMed 29339979 (cited by 5 submitters); PubMed 33471991 (cited by 3 submitters); PubMed 25381700 (cited by 4 submitters); PubMed 26014432 (cited by Mayo Clinic Laboratories, Mayo Clinic and Laboratory for Molecular Medicine, Mass General Brigham Personalized Medicine); PubMed 16199546 (cited by Dasa); PubMed 17063271 (cited by Dasa); PubMed 25632310 (cited by Dasa); PubMed 15382066 (cited by 5 submitters); PubMed 16905680 (cited by Ambry Genetics and Women's Health and Genetics/Laboratory Corporation of America, LabCorp); PubMed 22430266 (cited by 3 submitters); PubMed 30609409 (cited by Quest Diagnostics Nichols Institute San Juan Capistrano); PubMed 30720243 (cited by Quest Diagnostics Nichols Institute San Juan Capistrano); PubMed 30787465 (cited by Quest Diagnostics Nichols Institute San Juan Capistrano); PubMed 32255556 (cited by Quest Diagnostics Nichols Institute San Juan Capistrano and Laboratory for Molecular Medicine, Mass General Brigham Personalized Medicine); PubMed 33087929 (cited by Quest Diagnostics Nichols Institute San Juan Capistrano); PubMed 32531196 (cited by Quest Diagnostics Nichols Institute San Juan Capistrano); PubMed 26295337 (cited by Quest Diagnostics Nichols Institute San Juan Capistrano); PubMed 29446198 (cited by Women's Health and Genetics/Laboratory Corporation of America, LabCorp).